The following is an entry in ClinVar:

ClinVar aggregate classification (germline): Uncertain significance. Review status: criteria provided, multiple submitters, no conflicts (2 of 4 stars). 4 submissions from 4 submitters: Uncertain significance (4). Last evaluated 2025-05-01.

Conditions:
Bartter disease type 4A. Also called: BARTTER SYNDROME, TYPE 4A, NEONATAL, WITH SENSORINEURAL DEAFNESS; BARTTER SYNDROME, NEONATAL, WITH SENSORINEURAL DEAFNESS. Identifiers: Orphanet 112, MedGen C1865270, MONDO:0011242, OMIM 602522.

Allele frequency attached by ClinVar (database versions not stated): ExAC 0.00003; gnomAD exomes 0.00003 and 0.00005; gnomAD 0.00005; TOPMed 0.00005.

Submissions (4):

Rare Kidney Stone Consortium and the Mayo Clinic Hyperoxaluria Center, Mayo Clinic
Classification: Uncertain significance for Bartter disease type 4A. Last evaluated: 2025-05-01. Review status: criteria provided, single submitter. Criteria: ACMG Guidelines, 2015. Collection method: research. Allele origin: germline.
Comment: ACMG: PVS1

heterozygote

Labcorp Genetics (formerly Invitae), Labcorp
Classification: Uncertain significance. Last evaluated: 2022-08-10. Review status: criteria provided, single submitter. Criteria: Invitae Variant Classification Sherloc (09022015). Collection method: clinical testing. Allele origin: germline.
Comment: This sequence change creates a premature translational stop signal (p.Gln225*) in the BSND gene. While this is not anticipated to result in nonsense mediated decay, it is expected to disrupt the last 96 amino acid(s) of the BSND protein. This variant is present in population databases (rs776107884, gnomAD 0.008%). This variant has not been reported in the literature in individuals affected with BSND-related conditions. ClinVar contains an entry for this variant (Variation ID: 1329051). Experimental studies and prediction algorithms are not available or were not evaluated, and the functional significance of this variant is currently unknown. In summary, the available evidence is currently insufficient to determine the role of this variant in disease. Therefore, it has been classified as a Variant of Uncertain Significance.

Fulgent Genetics
Classification: Uncertain significance for Bartter disease type 4A. Last evaluated: 2021-11-08. Review status: criteria provided, single submitter. Criteria: ACMG Guidelines, 2015. Collection method: clinical testing. Allele origin: unknown.

Women's Health and Genetics/Laboratory Corporation of America, LabCorp
Classification: Uncertain significance. Last evaluated: 2021-11-03. Review status: criteria provided, single submitter. Criteria: LabCorp Variant Classification Summary - May 2015. Collection method: clinical testing. Allele origin: germline.
Comment: Variant summary: BSND c.673C>T (p.Gln225X) results in a premature termination codon located in exon 4 (i.e. the last exon) that is not expected to cause nonsense mediated decay (NMD), but is predicted to cause a truncation of the encoded protein, removing a large part of the 320 amino acids long protein. No truncations downstream of this position have been classified as pathogenic by our laboratory. The variant allele was found at a frequency of 3.2e-05 in 251428 control chromosomes (gnomAD v2.1). To our knowledge, no occurrence of c.673C>T in individuals affected with Bartter Syndrome, Type 4a and no experimental evidence demonstrating its impact on protein function have been reported. No clinical diagnostic laboratories have submitted clinical-significance assessments for this variant to ClinVar after 2014. Based on the evidence outlined above, the variant was classified as uncertain significance.

Literature cited by the submitters: PubMed 34805638 (cited by Rare Kidney Stone Consortium and the Mayo Clinic Hyperoxaluria Center, Mayo Clinic); PubMed 24828792 (cited by Women's Health and Genetics/Laboratory Corporation of America, LabCorp).

NM_057176.3(BSND):c.673C>T (p.Gln225Ter)

Gene: BSND (barttin CLCNK type accessory subunit beta; plus strand). Cytogenetic location: 1p32.3.
Variant type: single nucleotide variant.
Coding change: c.673C>T on transcript NM_057176.3 (MANE Select); coding-DNA position 673, C replaced by T.
Protein change: p.Gln225Ter; replaces glutamine 225 with a stop codon.
Molecular consequence: nonsense.
Genome position (GRCh38, 1-based): chr1:55,008,338, C>T. VCF-style: chr1-55008338-C-T. GRCh37 (hg19) VCF-style: chr1-55474011-C-T.
Other names: short protein forms Q225*.
Identifiers: ClinVar variation 1329051 (VCV001329051.5), dbSNP rs776107884, ClinGen allele CA871393.